The following is an entry in ClinVar:

NM_033026.6(PCLO):c.7239TCC[3] (p.Pro2425_Pro2426del)

Gene: PCLO (piccolo presynaptic cytomatrix protein; minus strand). Cytogenetic location: 7q21.11.
Variant type: Microsatellite.
Coding change: c.7239TCC[3] on transcript NM_033026.6 (MANE Select); three copies in a row of the 3-base unit TCC starting at c.7239; the reference has five copies in a row; two copies, 6 bases deleted.
Protein change: p.Pro2425_Pro2426del.
Molecular consequence: inframe deletion.
Genome position (GRCh38, 1-based): chr7:82,953,700-82,953,705, GGAGGA deleted on the plus strand (TCCTCC on the coding strand, the reverse complement: PCLO is on the minus strand); deleting any 6 consecutive bases within chr7:82,953,700-82,953,716 gives the same sequence; the position shown is the placement nearest the transcript's 3' end. VCF-style (leftmost placement, unchanged base first): chr7-82953699-TGGAGGA-T. GRCh37 (hg19) VCF-style: chr7-82583015-TGGAGGA-T.
Other names: c.7239TCC[3], p.Pro2425_Pro2426del (NM_014510.3).
Identifiers: ClinVar variation 1441857 (VCV001441857.6), dbSNP rs756571448, ClinGen allele CA576266792.

ClinVar aggregate classification (germline): Uncertain significance (1 of 4 stars; one submission).

Submission:

Labcorp Genetics (formerly Invitae), Labcorp
Classification: Uncertain significance. Last evaluated: 2022-10-05. Review status: criteria provided, single submitter. Criteria: Invitae Variant Classification Sherloc (09022015). Collection method: clinical testing. Allele origin: germline.
Comment: This variant, c.7248_7253del, results in the deletion of 2 amino acid(s) of the PCLO protein (p.Pro2425_Pro2426del), but otherwise preserves the integrity of the reading frame. The frequency data for this variant in the population databases is considered unreliable, as metrics indicate poor data quality at this position in the gnomAD database. This variant has not been reported in the literature in individuals affected with PCLO-related conditions. Experimental studies and prediction algorithms are not available or were not evaluated, and the functional significance of this variant is currently unknown. In summary, the available evidence is currently insufficient to determine the role of this variant in disease. Therefore, it has been classified as a Variant of Uncertain Significance.